The following is an entry in ClinVar:

ClinVar aggregate classification (germline): Uncertain significance (1 of 4 stars; one submission).

Conditions:
Aniridia 1 (AN1). Identifiers: Orphanet 250923, MedGen C0344542, MONDO:0024507, OMIM 106210.
Irido-corneo-trabecular dysgenesis (ASGD5). Also called: ANTERIOR SEGMENT DYSGENESIS 5. Identifiers: Orphanet 708, MedGen C0344559, MONDO:0011414, OMIM 604229, HP:0000659.

Allele frequency attached by ClinVar (database versions not stated): gnomAD exomes below 0.00001.
gnomAD v4.1: 3 of 1,614,008 alleles (0.00019%); highest among the groups gnomAD compares: Non-Finnish European, 0.00017%; no homozygotes.

Submission:

Labcorp Genetics (formerly Invitae), Labcorp
Classification: Uncertain significance for Aniridia 1; Irido-corneo-trabecular dysgenesis. Last evaluated: 2022-08-28. Review status: criteria provided, single submitter. Criteria: Invitae Variant Classification Sherloc (09022015). Collection method: clinical testing. Allele origin: germline.
Comment: This variant is not present in population databases (gnomAD no frequency). This sequence change replaces arginine, which is basic and polar, with tryptophan, which is neutral and slightly polar, at codon 367 of the PAX6 protein (p.Arg367Trp). This variant has not been reported in the literature in individuals affected with PAX6-related conditions. Advanced modeling of protein sequence and biophysical properties (such as structural, functional, and spatial information, amino acid conservation, physicochemical variation, residue mobility, and thermodynamic stability) performed at Invitae indicates that this missense variant is not expected to disrupt PAX6 protein function. In summary, the available evidence is currently insufficient to determine the role of this variant in disease. Therefore, it has been classified as a Variant of Uncertain Significance.

NM_001368894.2(PAX6):c.1141C>T (p.Arg381Trp)

Gene: PAX6 (paired box 6; minus strand). Cytogenetic location: 11p13.
Variant type: single nucleotide variant.
Coding change: c.1141C>T on transcript NM_001368894.2 (MANE Select); coding-DNA position 1141, C replaced by T.
Protein change: p.Arg381Trp; replaces arginine 381 with tryptophan.
Molecular consequence: missense variant. On other transcripts: non-coding transcript variant (1), intron variant (9).
Genome position (GRCh38, 1-based): chr11:31,790,794, G>A on the plus strand (C>T on the coding strand, the complement: PAX6 is on the minus strand). VCF-style: chr11-31790794-G-A. GRCh37 (hg19) VCF-style: chr11-31812342-G-A.
Other names: c.1099C>T, p.Arg367Trp (NM_000280.6, NM_001127612.3, NM_001258464.2 and 6 more transcripts); c.1141C>T, p.Arg381Trp (NM_001258462.3, NM_001258463.2, NM_001310158.2 and 3 more transcripts); c.691C>T, p.Arg231Trp (NM_001310160.2, NM_001310161.3, NM_001368899.2 and 10 more transcripts); c.1342C>T, p.Arg448Trp (NM_001368910.2); c.1216C>T, p.Arg406Trp (NM_001368918.2, NM_001368919.2); c.1174C>T, p.Arg392Trp (NM_001368920.2); c.940C>T, p.Arg314Trp (NM_001368922.2, NM_001368923.2, NM_001368924.2 and 3 more transcripts); c.898C>T, p.Arg300Trp (NM_001368928.2); and 6 more; short protein forms R231W, R367W, R406W, R166W, R381W, R300W, R314W, R392W.
Identifiers: ClinVar variation 2141898 (VCV002141898.4), dbSNP rs2494733856, ClinGen allele CA379967326.